The following is an entry in ClinVar:

NC_000015.9:g.(?_28475513)_(28475646_?)del

Gene: HERC2 (HECT and RLD domain containing E3 ubiquitin protein ligase 2; minus strand). Cytogenetic location: 15q13.1.
Variant type: Deletion.
Identifiers: ClinVar variation 2425198 (VCV002425198.3).

ClinVar aggregate classification (germline): Pathogenic (1 of 4 stars; one submission).

Submission:

Labcorp Genetics (formerly Invitae), Labcorp
Classification: Pathogenic. Last evaluated: 2022-07-18. Review status: criteria provided, single submitter. Criteria: Invitae Variant Classification Sherloc (09022015). Collection method: clinical testing. Allele origin: germline.
Comment: This variant is a gross deletion of the genomic region encompassing exon(s) 31 of the HERC2 gene. This deletion is out-of-frame, and is expected to create a premature termination codon and result in an absent or disrupted protein product. Loss-of-function variants in HERC2 are known to be pathogenic (PMID: 31623504, 32571899). This variant has not been reported in the literature in individuals affected with HERC2-related conditions. For these reasons, this variant has been classified as Pathogenic.

Literature cited by the submitters: PubMed 31623504; PubMed 32571899.